The following is an entry in ClinVar:

NM_019888.3(MC3R):c.429C>G (p.Tyr143Ter)

Gene: MC3R (melanocortin 3 receptor; plus strand). Cytogenetic location: 20q13.2.
Variant type: single nucleotide variant.
Coding change: c.429C>G on transcript NM_019888.3 (MANE Select); coding-DNA position 429, C replaced by G.
Protein change: p.Tyr143Ter; replaces tyrosine 143 with a stop codon.
Molecular consequence: nonsense.
Genome position (GRCh38, 1-based): chr20:56,249,272, C>G. VCF-style: chr20-56249272-C-G. GRCh37 (hg19) VCF-style: chr20-54824328-C-G.
Other names: short protein forms Y143*.
Identifiers: ClinVar variation 782726 (VCV000782726.11), dbSNP rs148382606, ClinGen allele CA9917002.
Genomic context (GRCh38, chr20:56,249,272, plus strand): 5'-GATCTGCATCTCCCTGGTGGCCTCCATCTGCAACCTCCTGGCCATCGCCGTCGACAGGTA[C>G]GTCACCATCTTTTACGCGCTCCGCTACCACAGCATCATGACCGTGAGGAAGGCCCTCACC-3'

ClinVar aggregate classification (germline): Conflicting classifications of pathogenicity. Review status: criteria provided, conflicting classifications (1 of 4 stars). 3 submissions from 3 submitters: Uncertain significance (1); Likely benign (2). Last evaluated 2024-10-14.

Conditions:
MC3R-related disorder. Also called: MC3R-related condition.

Allele frequency attached by ClinVar (database versions not stated): TOPMed 0.00016.

Submissions (3):

PreventionGenetics, part of Exact Sciences
Classification: Likely benign for MC3R-related condition. Last evaluated: 2024-10-14. Review status: criteria provided, single submitter. Criteria: ACMG Guidelines, 2015. Collection method: clinical testing. Allele origin: germline.
Comment: This variant is classified as likely benign based on ACMG/AMP sequence variant interpretation guidelines (Richards et al. 2015 PMID: 25741868, with internal and published modifications).

Labcorp Genetics (formerly Invitae), Labcorp
Classification: Likely benign. Last evaluated: 2024-08-04. Review status: criteria provided, single submitter. Criteria: Invitae Variant Classification Sherloc (09022015). Collection method: clinical testing. Allele origin: germline.

Revvity Omics, Revvity
Classification: Uncertain significance. Last evaluated: 2019-02-13. Review status: criteria provided, single submitter. Criteria: ACMG Guidelines, 2015. Collection method: clinical testing. Allele origin: germline.